The following is an entry in ClinVar:

NM_001048174.2(MUTYH):c.914-2A>C

Gene: MUTYH (mutY DNA glycosylase; minus strand). Cytogenetic location: 1p34.1.
Variant type: single nucleotide variant.
Coding change: c.914-2A>C on transcript NM_001048174.2 (MANE Select); the canonical splice acceptor site of the intron before coding-DNA position 914, A replaced by C.
Molecular consequence: splice acceptor variant.
Genome position (GRCh38, 1-based): chr1:45,331,851, T>G on the plus strand (A>C on the coding strand, the complement: MUTYH is on the minus strand). VCF-style: chr1-45331851-T-G. GRCh37 (hg19) VCF-style: chr1-45797523-T-G.
Other names: c.638-2A>C (NM_001407091.1, NM_001293192.2, NM_001293196.2); c.917-2A>C (NM_001407086.1, NM_001407071.1, NM_001048172.2 and 1 more transcripts); c.947-2A>C (NM_001293191.2, NM_001407069.1, NM_001407077.1); c.956-2A>C (NM_001407085.1, NM_001407083.1); c.914-2A>C (NM_001407088.1, NM_001293195.2, NM_001407089.1 and 6 more transcripts); c.935-2A>C (NM_001407087.1); c.569-2A>C (NM_001350651.2, NM_001350650.2, NM_001407082.1); c.959-2A>C (NM_001293190.2); and 5 more.
Identifiers: ClinVar variation 5025000 (VCV005025000.1).

ClinVar aggregate classification (germline): Likely pathogenic (1 of 4 stars; one submission).

Conditions:
Hereditary cancer-predisposing syndrome. Also called: Neoplastic Syndromes, Hereditary; Tumor predisposition; Hereditary neoplastic syndrome; Hereditary Cancer Syndrome. Identifiers: Orphanet 140162, MedGen C0027672, MeSH D009386, MONDO:0015356.

Submission:

Ambry Genetics
Classification: Likely pathogenic for Hereditary cancer-predisposing syndrome. Last evaluated: 2026-08-10. Review status: criteria provided, single submitter. Criteria: Ambry Variant Classification Scheme 2023. Collection method: clinical testing. Allele origin: germline.
Comment: The c.998-2A>C intronic variant results from an A to C substitution two nucleotides upstream from coding exon 12 in the MUTYH gene. Variants that disrupt the canonical splice site are expected to result in aberrant splicing. In silico splice site analysis predicts that this alteration will weaken the native splice acceptor site. A resulting transcript is predicted to be in-frame and is not expected to trigger nonsense-mediated mRNAdecay; although, direct evidence is unavailable. However, the region predicted to be impacted is critical for protein function and a significant portion of the protein is predicted to be impacted (Ambry internal data). This variant is considered to be rare based on population cohorts in the Genome Aggregation Database (gnomAD). This nucleotide position is highly conserved in available vertebrate species. Based on the majority of available evidence to date, this variant is likely to be pathogenic.